The following is an entry in ClinVar:

ClinVar aggregate classification (germline): Pathogenic/Likely pathogenic. Review status: criteria provided, multiple submitters, no conflicts (2 of 4 stars). 2 submissions from 2 submitters: Pathogenic (1); Likely pathogenic (1). Last evaluated 2025-12-12.

Conditions:
Hereditary cancer-predisposing syndrome. Also called: Tumor predisposition; Neoplastic Syndromes, Hereditary; Hereditary Cancer Syndrome; Hereditary neoplastic syndrome. Identifiers: Orphanet 140162, MedGen C0027672, MeSH D009386, MONDO:0015356.
Ataxia-telangiectasia syndrome (AT). Also called: Ataxia-telangiectasia; LOUIS-BAR SYNDROME; Ataxia-telangiectasia, complementation group D; AT, COMPLEMENTATION GROUP C; ATAXIA-TELANGIECTASIA, COMPLEMENTATION GROUP A; ATAXIA-TELANGIECTASIA, FRESNO VARIANT. Identifiers: Orphanet 100, MedGen C0004135, MONDO:0008840, OMIM 208900.

Submissions (2):

Ambry Genetics
Classification: Likely pathogenic for Hereditary cancer-predisposing syndrome. Last evaluated: 2025-12-12. Review status: criteria provided, single submitter. Criteria: Ambry Variant Classification Scheme 2023. Collection method: clinical testing. Allele origin: germline.
Comment: The c.9131delA variant, located in coding exon 62 of the ATM gene, results from a deletion of one nucleotide at nucleotide position 9131, causing a translational frameshift with a predicted alternate stop codon (p.N3044Ifs*31). This alteration occurs at the 3' terminus of theATM gene, is not expected to trigger nonsense-mediated mRNAdecay, and results in the elongation of the protein by 17 amino acids. This frameshift impacts the last 13amino acids of the native protein. However, frameshifts are typically deleterious in nature, and the impacted region is critical for protein function (Ambry internal data). A different deletion (c.9126delC) resulting in the same frameshift was reported in conjunction with an ATM mutation in an individual with known ataxia-telangiectasia, although phase was not provided (Strand J et al. Front Immunol, 2020 Jul;11:1417). This variant is considered to be rare based on population cohorts in the Genome Aggregation Database (gnomAD). Based on the majority of available evidence to date, this variant is likely to be pathogenic.

Labcorp Genetics (formerly Invitae), Labcorp
Classification: Pathogenic for Ataxia-telangiectasia syndrome. Last evaluated: 2021-10-12. Review status: criteria provided, single submitter. Criteria: Invitae Variant Classification Sherloc (09022015). Collection method: clinical testing. Allele origin: germline.
Comment: This sequence change results in a frameshift in the ATM gene (p.Asn3044Ilefs*31). While this is not anticipated to result in nonsense mediated decay, it is expected to disrupt the last 13 amino acid(s) of the ATM protein and extend the protein by 17 additional amino acid residues. This variant is not present in population databases (ExAC no frequency). This variant has not been reported in the literature in individuals affected with ATM-related conditions. This variant disrupts a region of the ATM protein in which other variant(s) (p.Arg3047*) have been determined to be pathogenic (PMID: 8755918, 10980530, 18560558, 19431188, 19691550, 26628246). This suggests that this is a clinically significant region of the protein, and that variants that disrupt it are likely to be disease-causing. For these reasons, this variant has been classified as Pathogenic.

Literature cited by the submitters: PubMed 32754152 (cited by Ambry Genetics); PubMed 8755918 (cited by Labcorp Genetics (formerly Invitae), Labcorp); PubMed 10980530 (cited by Labcorp Genetics (formerly Invitae), Labcorp); PubMed 18560558 (cited by Labcorp Genetics (formerly Invitae), Labcorp); PubMed 19431188 (cited by Labcorp Genetics (formerly Invitae), Labcorp); PubMed 19691550 (cited by Labcorp Genetics (formerly Invitae), Labcorp); PubMed 26628246 (cited by Labcorp Genetics (formerly Invitae), Labcorp).

NM_000051.4(ATM):c.9131del (p.Asn3044fs)

Genes: C11orf65 (chromosome 11 open reading frame 65; minus strand), ATM (ATM serine/threonine kinase; plus strand). Cytogenetic location: 11q22.3.
Variant type: Deletion.
Coding change: c.9131del on transcript NM_000051.4 (MANE Select); coding-DNA position 9131, one base deleted (A; older notation c.9131delA).
Protein change: p.Asn3044fs; shifts the reading frame from asparagine 3044.
Molecular consequence: frameshift variant. On other transcripts: intron variant (2).
Genome position (GRCh38, 1-based): chr11:108,365,468, A deleted; the last of 5 consecutive A bases (chr11:108,365,464-108,365,468); deleting any one gives the same sequence. VCF-style (leftmost placement, unchanged base first): chr11-108365463-CA-C. GRCh37 (hg19) VCF-style: chr11-108236190-CA-C.
Other names: c.9131del, p.Asn3044fs (NM_001351834.2); c.640+20456del (NM_001330368.2); c.694+20456del (NM_001351110.2); short protein forms N3044fs.
Identifiers: ClinVar variation 1454938 (VCV001454938.9), dbSNP rs1591388094, ClinGen allele CA2573146563.